The following is an entry in ClinVar:

ClinVar aggregate classification (germline): Uncertain significance. Review status: criteria provided, multiple submitters, no conflicts (2 of 4 stars). 2 submissions from 2 submitters: Uncertain significance (2). Last evaluated 2022-01-15.

Conditions:
Galactosylceramide beta-galactosidase deficiency. Also called: GALACTOCEREBROSIDASE DEFICIENCY; GALC DEFICIENCY; GLOBOID CELL LEUKOENCEPHALOPATHY; Leukodystrophy, Globoid Cell; Krabbe Disease. Identifiers: Orphanet 487, MedGen C0023521, MONDO:0009499, OMIM 245200.

Allele frequency attached by ClinVar (database versions not stated): gnomAD exomes below 0.00001; ExAC 0.00002.
gnomAD v4.1: 5 of 1,603,454 alleles (0.00031%); highest among the groups gnomAD compares: East Asian, 0.011%; no homozygotes.

Submissions (2):

Labcorp Genetics (formerly Invitae), Labcorp
Classification: Uncertain significance for Galactosylceramide beta-galactosidase deficiency. Last evaluated: 2022-01-15. Review status: criteria provided, single submitter. Criteria: Invitae Variant Classification Sherloc (09022015). Collection method: clinical testing. Allele origin: germline.
Comment: This sequence change replaces arginine, which is basic and polar, with tryptophan, which is neutral and slightly polar, at codon 606 of the GALC protein (p.Arg606Trp). This variant is present in population databases (rs778850146, gnomAD 0.03%). This variant has not been reported in the literature in individuals affected with GALC-related conditions. Algorithms developed to predict the effect of missense changes on protein structure and function are either unavailable or do not agree on the potential impact of this missense change (SIFT: "Deleterious"; PolyPhen-2: "Possibly Damaging"; Align-GVGD: "Class C0"). In summary, the available evidence is currently insufficient to determine the role of this variant in disease. Therefore, it has been classified as a Variant of Uncertain Significance.

Juno Genomics, Hangzhou Juno Genomics, Inc
Classification: Uncertain significance for Galactosylceramide beta-galactosidase deficiency. Review status: criteria provided, single submitter. Criteria: ACMG Guidelines, 2015. Collection method: clinical testing. Allele origin: germline.
Comment: Absent from controls (or at extremely low frequency if recessive) in Genome Aggregation Database.;Multiple lines of computational evidence support a deleterious effect on the gene or gene product.

NM_000153.4(GALC):c.1816A>T (p.Arg606Trp)

Gene: GALC (galactosylceramidase; minus strand). Cytogenetic location: 14q31.3.
Variant type: single nucleotide variant.
Coding change: c.1816A>T on transcript NM_000153.4 (MANE Select); coding-DNA position 1816, A replaced by T.
Protein change: p.Arg606Trp; replaces arginine 606 with tryptophan.
Molecular consequence: missense variant.
Genome position (GRCh38, 1-based): chr14:87,941,413, T>A on the plus strand (A>T on the coding strand, the complement: GALC is on the minus strand). VCF-style: chr14-87941413-T-A. GRCh37 (hg19) VCF-style: chr14-88407757-T-A.
Other names: c.1747A>T, p.Arg583Trp (NM_001201401.2); c.1738A>T, p.Arg580Trp (NM_001201402.2); short protein forms R580W, R583W, R606W.
Identifiers: ClinVar variation 2181918 (VCV002181918.3), dbSNP rs778850146, ClinGen allele CA7296918.